The following is an entry in ClinVar:

NM_001034853.2(RPGR):c.2777_2778del (p.Glu926fs)

Gene: RPGR (retinitis pigmentosa GTPase regulator; minus strand). Cytogenetic location: Xp11.4.
Variant type: Microsatellite.
Coding change: c.2777_2778del on transcript NM_001034853.2 (MANE Select); coding-DNA positions 2777 to 2778, 2 bases deleted (AG; older notation c.2777_2778delAG).
Protein change: p.Glu926fs; shifts the reading frame from glutamic acid 926.
Molecular consequence: frameshift variant. On other transcripts: intron variant (8).
Genome position (GRCh38, 1-based): chrX:38,286,221-38,286,222, CT deleted on the plus strand (AG on the coding strand, the reverse complement: RPGR is on the minus strand); deleting any 2 consecutive bases within chrX:38,286,221-38,286,225 gives the same sequence; the c. name uses the placement nearest the transcript's 3' end. VCF-style (leftmost placement, unchanged base first): chrX-38286220-CCT-C. GRCh37 (hg19) VCF-style: chrX-38145473-CCT-C.
Other names: c.2777_2778delAG (NM_001034853.1); c.1569+4737_1569+4738del (NM_001367249.1, NM_001367250.1); c.1902+872_1902+873del (NM_001367245.1); c.1386+4737_1386+4738del (NM_001367251.1); c.1719+872_1719+873del (NM_001367246.1); c.1572+4737_1572+4738del (NM_001367247.1); c.1905+872_1905+873del (NM_000328.3); c.1602+4737_1602+4738del (NM_001367248.1); short protein forms E926fs.
Identifiers: ClinVar variation 817877 (VCV000817877.10), dbSNP rs1601920532, ClinGen allele CA915950965.

ClinVar aggregate classification (germline): Pathogenic/Likely pathogenic. Review status: criteria provided, multiple submitters, no conflicts (2 of 4 stars). 5 submissions from 5 submitters: Pathogenic (4); Likely pathogenic (1). Last evaluated 2022-12-02.

Conditions:
RPGR-related disorder. Also called: RPGR-related condition.
Primary ciliary dyskinesia. Also called: Ciliary dyskinesia. Identifiers: Orphanet 244, MedGen C0008780, MONDO:0016575, HP:0012265.
Retinitis pigmentosa 3. Also called: CHOROIDORETINAL DEGENERATION WITH RETINAL REFLEX IN HETEROZYGOUS WOMEN. Identifiers: Orphanet 791, MedGen C1845667, MONDO:0010227, OMIM 300029.
Retinitis pigmentosa (RP). Identifiers: Orphanet 791, MedGen C0035334, MeSH D012174, MONDO:0019200, OMIM 268000. Inheritance: Autosomal dominant, autosomal recessive and X linked inheritance.

Submissions (5):

Institute of Medical Genetics and Applied Genomics, University Hospital Tübingen
Classification: Pathogenic for Retinitis pigmentosa 3. Last evaluated: 2022-12-02. Review status: criteria provided, single submitter. Criteria: ACMG Guidelines, 2015. Collection method: clinical testing. Allele origin: germline. Inheritance: X-linked recessive inheritance. Affected: yes.

Labcorp Genetics (formerly Invitae), Labcorp
Classification: Pathogenic for Primary ciliary dyskinesia. Last evaluated: 2022-07-12. Review status: criteria provided, single submitter. Criteria: Invitae Variant Classification Sherloc (09022015). Collection method: clinical testing. Allele origin: germline.
Comment: ClinVar contains an entry for this variant (Variation ID: 817877). This sequence change creates a premature translational stop signal (p.Glu926Glyfs*152) in the RPGR (ORF15) gene. While this is not anticipated to result in nonsense mediated decay, it is expected to disrupt the last 227 amino acid(s) of the RPGR (ORF15) protein. This variant is not present in population databases (gnomAD no frequency). This variant has not been reported in the literature in individuals affected with RPGR (ORF15)-related conditions. This variant disrupts a region of the RPGR (ORF15) protein in which other variant(s) (p.Leu1130Lysfs*13) have been determined to be pathogenic (PMID: 22264887; Invitae). This suggests that this is a clinically significant region of the protein, and that variants that disrupt it are likely to be disease-causing. For these reasons, this variant has been classified as Pathogenic.

Blueprint Genetics
Classification: Pathogenic for RPGR-related disorders. Last evaluated: 2021-12-23. Review status: criteria provided, single submitter. Criteria: ACMG Guidelines, 2015. Collection method: clinical testing. Allele origin: germline. Affected: yes. Observed: 2 variant alleles.

Broad Center for Mendelian Genomics, Broad Institute of MIT and Harvard
Classification: Likely pathogenic for Retinitis pigmentosa. Last evaluated: 2021-04-01. Review status: criteria provided, single submitter. Criteria: ACMG Guidelines, 2015. Collection method: curation. Allele origin: germline. Inheritance: X-linked inheritance. Affected: yes.
Comment: Through a review of available evidence we were able to apply the following criteria: PVS1, PM2. Based on this evidence we have classified this variant as Likely Pathogenic. If you have any questions about the classification please reach out to the Pierce Lab.

GeneDx
Classification: Pathogenic. Last evaluated: 2018-11-12. Review status: criteria provided, single submitter. Criteria: GeneDx Variant Classification (06012015). Collection method: clinical testing. Allele origin: germline. Affected: yes.
Comment: The c.2777_2778delAG variant in the RPGR gene has not been reported previously as a pathogenic variant nor as a benign variant, to our knowledge. This variant causes a frameshift starting with codon Glutamic Acid 926, changes this amino acid to a Glycine residue, and creates a premature Stop codon at position 152 of the new reading frame, denoted p.Glu926GlyfsX152. This variant is predicted to cause loss of normal protein function through protein truncation, as the last 227 amino acids of the protein are replaced with 151 incorrect amino acids. The c.2777_2778delAG variant is not observed in large population cohorts (Lek et al., 2016). We interpret c.2777_2778delAG as a pathogenic variant.

Literature cited by the submitters: PubMed 22264887 (cited by Labcorp Genetics (formerly Invitae), Labcorp); PubMed 34906470 (cited by Broad Center for Mendelian Genomics, Broad Institute of MIT and Harvard).